The following is an entry in ClinVar:

NM_001164462.2(MUC12):c.7731C>G (p.Thr2577=)

Gene: MUC12 (mucin 12, cell surface associated; plus strand). Cytogenetic location: 7q22.1.
Variant type: single nucleotide variant.
Coding change: c.7731C>G on transcript NM_001164462.2 (MANE Select); coding-DNA position 7731, C replaced by G.
Protein change: p.Thr2577=; no amino-acid change (threonine 2577 retained).
Molecular consequence: synonymous variant.
Genome position (GRCh38, 1-based): chr7:100,998,294, C>G. VCF-style: chr7-100998294-C-G. GRCh37 (hg19) VCF-style: chr7-100641575-C-G.
Identifiers: ClinVar variation 4873456 (VCV004873456.2).

ClinVar aggregate classification (germline): Likely benign (1 of 4 stars; one submission).

Submission:

CeGaT Center for Human Genetics Tuebingen
Classification: Likely benign. Last evaluated: 2026-04-01. Review status: criteria provided, single submitter. Criteria: CeGaT Center For Human Genetics Tuebingen Variant Classification Criteria Version 2. Collection method: clinical testing. Allele origin: germline. Affected: yes. Observed: 1 variant allele.
Comment: MUC12: BP4, BP7